The following is an entry in ClinVar:

ClinVar aggregate classification (germline): Uncertain significance (1 of 4 stars; one submission).

Submission:

Labcorp Genetics (formerly Invitae), Labcorp
Classification: Uncertain significance. Last evaluated: 2024-11-19. Review status: criteria provided, single submitter. Criteria: Invitae Variant Classification Sherloc (09022015). Collection method: clinical testing. Allele origin: germline.
Comment: This sequence change replaces valine, which is neutral and non-polar, with isoleucine, which is neutral and non-polar, at codon 1515 of the TOP2B protein (p.Val1515Ile). This variant is not present in population databases (gnomAD no frequency). This variant has not been reported in the literature in individuals affected with TOP2B-related conditions. An algorithm developed to predict the effect of missense changes on protein structure and function outputs the following: PolyPhen-2: "Benign". The isoleucine amino acid residue is found in multiple mammalian species, which suggests that this missense change does not adversely affect protein function. In summary, the available evidence is currently insufficient to determine the role of this variant in disease. Therefore, it has been classified as a Variant of Uncertain Significance.

NM_001330700.2(TOP2B):c.4558G>A (p.Val1520Ile)

Gene: TOP2B (DNA topoisomerase II beta; minus strand). Cytogenetic location: 3p24.2.
Variant type: single nucleotide variant.
Coding change: c.4558G>A on transcript NM_001330700.2 (MANE Select); coding-DNA position 4558, G replaced by A.
Protein change: p.Val1520Ile; replaces valine 1520 with isoleucine.
Molecular consequence: missense variant.
Genome position (GRCh38, 1-based): chr3:25,601,157, C>T on the plus strand (G>A on the coding strand, the complement: TOP2B is on the minus strand). VCF-style: chr3-25601157-C-T. GRCh37 (hg19) VCF-style: chr3-25642648-C-T.
Other names: c.4543G>A, p.Val1515Ile (NM_001068.3); short protein forms V1515I, V1520I.
Identifiers: ClinVar variation 3620238 (VCV003620238.2).
Genomic context (GRCh38, chr3:25,601,157, plus strand): 5'-CACCTTTTGGTGTTGTAGTCTTCTTTGGAATGCCAAATTCTGAATCCGAGTCAGAGTTTA[C>T]AGCCTCTACTACTTTCTTCTGTTTTGGGGCTCTCTTGGGCTTAGGGACTGTATCTGAAGA-3'
Protein context (NP_001317629.1, residues 1510-1530): APKQKKVVEA[Val1520Ile]NSDSDSEFGI